The following is an entry in ClinVar:

NM_001374353.1(GLI2):c.2108G>A (p.Arg703His)

Gene: GLI2 (GLI family zinc finger 2; plus strand). Cytogenetic location: 2q14.2.
Variant type: single nucleotide variant.
Coding change: c.2108G>A on transcript NM_001374353.1 (MANE Select); coding-DNA position 2108, G replaced by A.
Protein change: p.Arg703His; replaces arginine 703 with histidine.
Molecular consequence: missense variant.
Genome position (GRCh38, 1-based): chr2:120,986,480, G>A. VCF-style: chr2-120986480-G-A. GRCh37 (hg19) VCF-style: chr2-121744056-G-A.
Other names: c.2159G>A, p.Arg720His (NM_001371271.1, NM_005270.5); c.1733G>A, p.Arg578His (NM_001374354.1); short protein forms R720H, R703H, R578H.
Identifiers: ClinVar variation 259723 (VCV000259723.23), dbSNP rs149091975, ClinGen allele CA1852139.

ClinVar aggregate classification (germline): Conflicting classifications of pathogenicity. Review status: criteria provided, conflicting classifications (1 of 4 stars). 9 submissions from 9 submitters: Uncertain significance (2); Benign (2); Likely benign (3). 2 of the submissions do not count toward it. Last evaluated 2025-12-23.

Conditions:
GLI2-related disorder. Also called: GLI2-related condition; GLI2-related disorders.
Inborn genetic diseases. Identifiers: MedGen C0950123, MeSH D030342.
Holoprosencephaly 1. Also called: DEMYER SEQUENCE; HPE, FAMILIAL; HOLOPROSENCEPHALY, FAMILIAL ALOBAR; ARHINENCEPHALY. Identifiers: Orphanet 2162, MedGen C0266667, MONDO:0009349, OMIM 236100.
Postaxial polydactyly-anterior pituitary anomalies-facial dysmorphism syndrome. Also called: Culler-Jones syndrome. Identifiers: Orphanet 420584, MedGen C4014479, MONDO:0014369, OMIM 615849.
Holoprosencephaly 9 (HPE9). Also called: PITUITARY ANOMALIES WITH HOLOPROSENCEPHALY-LIKE FEATURES; HOLOPROSENCEPHALY WITH MICROPHTHALMIA AND FIRST BRANCHIAL ARCH ANOMALIES. Identifiers: Orphanet 2162, MedGen C1835819, MONDO:0012563, OMIM 610829.

Allele frequency attached by ClinVar (database versions not stated): 1000 Genomes Project 30x 0.00031; 1000 Genomes Project 0.00040; gnomAD exomes 0.00043; ExAC 0.00047; gnomAD 0.00050 and 0.00053; ESP Exome Variant Server 0.00069; TOPMed 0.00074.
gnomAD v4.1: 460 of 1,614,062 alleles (0.028%); highest among the groups gnomAD compares: Middle Eastern, 0.33%; 1 homozygote.

Submissions (9):

Labcorp Genetics (formerly Invitae), Labcorp
Classification: Likely benign for Postaxial polydactyly-anterior pituitary anomalies-facial dysmorphism syndrome; Holoprosencephaly 9. Last evaluated: 2025-12-23. Review status: criteria provided, single submitter. Criteria: Invitae Variant Classification Sherloc (09022015). Collection method: clinical testing. Allele origin: germline.

PreventionGenetics, part of Exact Sciences
Classification: Uncertain significance for GLI2-related condition. Last evaluated: 2024-11-04. Review status: criteria provided, single submitter. Criteria: ACMG Guidelines, 2015. Collection method: clinical testing. Allele origin: germline.
Comment: The GLI2 c.2159G>A variant is predicted to result in the amino acid substitution p.Arg720His. This variant was reported in an individual with hypogonadotropic hypogonadism, cleft palate, short neck, and short stature, who inherited the variant from the unaffected father (Gregory et al 2015. PubMed ID: 25327282). This variant was also observed in a cohort of individuals with pituitary stalk interruption syndrome (Brauner et al. 2020. PubMed ID: 33270637). This variant is reported in 0.14% of alleles in individuals of African descent in gnomAD. Although we suspect that this variant may be benign, at this time, the clinical significance of this variant is uncertain due to the absence of conclusive functional and genetic evidence.

Blueprint Genetics
Classification: Likely benign. Last evaluated: 2024-10-23. Review status: criteria provided, single submitter. Criteria: ACMG Guidelines, 2015. Collection method: clinical testing. Allele origin: germline.

Ambry Genetics
Classification: Likely benign for Inborn genetic diseases. Last evaluated: 2023-12-29. Review status: criteria provided, single submitter. Criteria: Ambry Variant Classification Scheme 2023. Collection method: clinical testing. Allele origin: germline.

Mendelics
Classification: Benign for Holoprosencephaly 1. Last evaluated: 2023-08-22. Review status: criteria provided, single submitter. Criteria: Mendelics Assertion Criteria 2019. Collection method: clinical testing. Allele origin: germline.

New York Genome Center
Classification: Uncertain significance for Holoprosencephaly 9. Last evaluated: 2020-06-19. Review status: criteria provided, single submitter. Criteria: NYGC Assertion Criteria 2020. Collection method: clinical testing. Allele origin: inherited. Observed: 1 heterozygote. Study: CSER-NYCKidSeq.

GeneDx
Classification: Benign. Last evaluated: 2020-03-09. Review status: criteria provided, single submitter. Criteria: GeneDx Variant Classification Process June 2021. Collection method: clinical testing. Allele origin: germline. Affected: yes.
Comment: Previously reported in an individual with hearing loss, short neck, cleft palate and hypogonadotrophic hypogonadism, with no evidence of holoprosencephaly on MRI; however, the variant was also identified in the unaffected father, and functional studies indicated similar transactivation activity for the variant as compared to wildtype (Gregory et al., 2015); This variant is associated with the following publications: (PMID: 33270637, 25327282, 17569090)

Diagnostic Laboratory, Department of Genetics, University Medical Center Groningen
Classification: Likely benign. Review status: no assertion criteria provided. Collection method: clinical testing. Allele origin: germline. Affected: yes. Study: VKGL Data-share Consensus. Not counted in ClinVar's aggregate classification.

Laboratory of Diagnostic Genome Analysis, Leiden University Medical Center (LUMC)
Classification: Likely benign. Review status: no assertion criteria provided. Collection method: clinical testing. Allele origin: germline. Affected: yes. Study: VKGL Data-share Consensus. Not counted in ClinVar's aggregate classification.